The following is an entry in ClinVar:

NM_176787.5(PIGN):c.2679C>G (p.Ser893Arg)

Gene: PIGN (phosphatidylinositol glycan anchor biosynthesis class N; minus strand). Cytogenetic location: 18q21.33.
Variant type: single nucleotide variant.
Coding change: c.2679C>G on transcript NM_176787.5 (MANE Select); coding-DNA position 2679, C replaced by G.
Protein change: p.Ser893Arg; replaces serine 893 with arginine.
Molecular consequence: missense variant.
Genome position (GRCh38, 1-based): chr18:62,045,973, G>C on the plus strand (C>G on the coding strand, the complement: PIGN is on the minus strand). VCF-style: chr18-62045973-G-C. GRCh37 (hg19) VCF-style: chr18-59713206-G-C.
Other names: c.2679C>G, p.Ser893Arg (NM_012327.6); short protein forms S893R.
Identifiers: ClinVar variation 449082 (VCV000449082.25), dbSNP rs199573774, ClinGen allele CA8981891.

ClinVar aggregate classification (germline): Conflicting classifications of pathogenicity. Review status: criteria provided, conflicting classifications (1 of 4 stars). 10 submissions from 10 submitters: Pathogenic (6); Likely pathogenic (3); Uncertain significance (1). Last evaluated 2026-02-26.

Conditions:
PIGN-related disorder. Also called: PIGN-related condition.
Multiple congenital anomalies-hypotonia-seizures syndrome 1 (MCAHS1). Also called: PIGN-CDG; Congenital disorder of glycosylation due to PIGN deficiency; GLYCOSYLPHOSPHATIDYLINOSITOL BIOSYNTHESIS DEFECT 3. Identifiers: Orphanet 280633, MedGen C3279775, MONDO:0013563, OMIM 614080.

Allele frequency attached by ClinVar (database versions not stated): gnomAD exomes 0.00009 and 0.00013; gnomAD 0.00014 and 0.00015; 1000 Genomes Project 0.00020; TOPMed 0.00013; ExAC 0.00020; 1000 Genomes Project 30x 0.00016.
gnomAD v4.1: 154 of 1,612,328 alleles (0.0096%); highest among the groups gnomAD compares: South Asian, 0.039%; no homozygotes.

Submissions (10):

CENTOGENE GmbH and LLC - Guiding Precision Medicine
Classification: Pathogenic for Multiple congenital anomalies-hypotonia-seizures syndrome 1. Last evaluated: 2026-02-26. Review status: criteria provided, single submitter. Criteria: ACMG Guidelines, 2015. Collection method: clinical testing. Allele origin: unknown. Inheritance: Autosomal recessive inheritance. Affected: yes. Observed: 4 variant alleles.

Labcorp Genetics (formerly Invitae), Labcorp
Classification: Pathogenic for Multiple congenital anomalies-hypotonia-seizures syndrome 1. Last evaluated: 2025-08-23. Review status: criteria provided, single submitter. Criteria: Invitae Variant Classification Sherloc (09022015). Collection method: clinical testing. Allele origin: germline.
Comment: This sequence change replaces serine, which is neutral and polar, with arginine, which is basic and polar, at codon 893 of the PIGN protein (p.Ser893Arg). This variant is present in population databases (rs199573774, gnomAD 0.04%). This missense change has been observed in individual(s) with developmental and epileptic encephalopathy and/or PIGN-related disease (PMID: 35179230, 36322149; internal data). In at least one individual the data is consistent with being in trans (on the opposite chromosome) from a pathogenic variant. ClinVar contains an entry for this variant (Variation ID: 449082). Invitae Evidence Modeling of protein sequence and biophysical properties (such as structural, functional, and spatial information, amino acid conservation, physicochemical variation, residue mobility, and thermodynamic stability) indicates that this missense variant is expected to disrupt PIGN protein function with a positive predictive value of 80%. For these reasons, this variant has been classified as Pathogenic.

Dasa
Classification: Pathogenic. Last evaluated: 2025-04-03. Review status: criteria provided, single submitter. Criteria: DASA Assertion Criteria. Collection method: clinical testing. Allele origin: germline.
Comment: NM_176787.5(PIGN):c.2679C>G (p.Ser893Arg) is a missense variant that results in the substitution of serine with arginine. This variant has been recurrently observed in affected individuals with related phenotype in a genotype context consistent with recessive disease (PMID: 35179230; PMID: 36322149). Functional evidence supports a deleterious effect on the gene or gene product (PMID: 35179230; PMID: 36322149). The variant is present at low frequency in population datasets. Based on the available data, this variant is classified as pathogenic.

Laboratorio de Genetica e Diagnostico Molecular, Hospital Israelita Albert Einstein
Classification: Likely pathogenic for Multiple congenital anomalies-hypotonia-seizures syndrome 1. Last evaluated: 2024-11-29. Review status: criteria provided, single submitter. Criteria: ACMG Guidelines, 2015. Collection method: clinical testing. Allele origin: germline. Affected: yes.
Comment: ACMG classification criteria: PS3 supporting, PM2 supporting, PM3 strong

Blueprint Genetics
Classification: Pathogenic for PIGN-related disorders. Last evaluated: 2024-07-05. Review status: criteria provided, single submitter. Criteria: ACMG Guidelines, 2015. Collection method: clinical testing. Allele origin: germline. Affected: yes. Observed: 5 variant alleles.

GeneDx
Classification: Pathogenic. Last evaluated: 2024-05-02. Review status: criteria provided, single submitter. Criteria: GeneDx Variant Classification Process June 2021. Collection method: clinical testing. Allele origin: germline. Affected: yes.
Comment: Published functional studies demonstrate a damaging effect, specifically p.(S893R) showed complete impairment of PIGN activity (PMID: 36322149); In silico analysis supports that this missense variant has a deleterious effect on protein structure/function; This variant is associated with the following publications: (PMID: 26633542, 34426522, 35179230, 36672771, 36322149, 27119594)

Revvity Omics, Revvity
Classification: Likely pathogenic for Multiple congenital anomalies-hypotonia-seizures syndrome 1. Last evaluated: 2024-02-20. Review status: criteria provided, single submitter. Criteria: ACMG Guidelines, 2015. Collection method: clinical testing. Allele origin: germline.

Department of Human Genetics, Hannover Medical School
Classification: Pathogenic for Multiple congenital anomalies-hypotonia-seizures syndrome 1. Last evaluated: 2023-07-18. Review status: criteria provided, single submitter. Criteria: ACMG Guidelines, 2015. Collection method: clinical testing. Allele origin: germline. Inheritance: Autosomal recessive inheritance. Affected: yes.

Athena Diagnostics
Classification: Uncertain significance. Last evaluated: 2022-09-16. Review status: criteria provided, single submitter. Criteria: Athena Diagnostics Criteria. Collection method: clinical testing. Allele origin: unknown.
Comment: Available data are insufficient to determine the clinical significance of the variant at this time. The frequency of this variant in the general population is higher than would generally be expected for pathogenic variants in this gene. Computational tools predict that this variant is damaging.

Institute of Human Genetics, University of Leipzig Medical Center
Classification: Likely pathogenic for Multiple congenital anomalies-hypotonia-seizures syndrome 1. Last evaluated: 2019-01-01. Review status: criteria provided, single submitter. Criteria: ACMG Guidelines, 2015. Collection method: clinical testing. Allele origin: unknown. Affected: yes.
Comment: This variant was identified as compound heterozygous.

Literature cited by the submitters: PubMed 35179230 (cited by Labcorp Genetics (formerly Invitae), Labcorp and Dasa); PubMed 36322149 (cited by Labcorp Genetics (formerly Invitae), Labcorp and Dasa); PubMed 26633542 (cited by Athena Diagnostics); PubMed 34426522 (cited by Athena Diagnostics).